The following is an entry in ClinVar:

ClinVar aggregate classification (germline): Uncertain significance. Review status: criteria provided, multiple submitters, no conflicts (2 of 4 stars). 2 submissions from 2 submitters: Uncertain significance (2). Last evaluated 2026-07-06.

Conditions:
Hereditary cancer-predisposing syndrome. Also called: Neoplastic Syndromes, Hereditary; Tumor predisposition; Hereditary Cancer Syndrome; Hereditary neoplastic syndrome. Identifiers: Orphanet 140162, MedGen C0027672, MeSH D009386, MONDO:0015356.

Submissions (2):

Ambry Genetics
Classification: Uncertain significance for Hereditary cancer-predisposing syndrome. Last evaluated: 2026-07-06. Review status: criteria provided, single submitter. Criteria: Ambry Variant Classification Scheme 2023. Collection method: clinical testing. Allele origin: germline.
Comment: The p.G1460R variant (also known as c.4378G>C), located in coding exon 33 of the TSC2 gene, results from a G to C substitution at nucleotide position 4378. The glycine at codon 1460 is replaced by arginine, an amino acid with dissimilar properties. This amino acid position is conserved. In addition, this alteration is predicted to be deleterious by in silico analysis. Based on the available evidence, the clinical significance of this variant remains unclear.

Women's Health and Genetics/Laboratory Corporation of America, LabCorp
Classification: Uncertain significance. Last evaluated: 2025-07-10. Review status: criteria provided, single submitter. Criteria: LabCorp Variant Classification Summary - May 2015. Collection method: clinical testing. Allele origin: germline.
Comment: Variant summary: TSC2 c.4378G>C (p.Gly1460Arg) results in a non-conservative amino acid change in the encoded protein sequence. Algorithms developed to predict the effect of missense changes on protein structure and function all suggest that this variant is likely to be disruptive. The variant was absent in 239098 control chromosomes. The available data on variant occurrences in the general population are insufficient to allow any conclusion about variant significance. To our knowledge, no occurrence of c.4378G>C in individuals affected with Tuberous Sclerosis Complex and no experimental evidence demonstrating its impact on protein function have been reported. No submitters have cited clinical-significance assessments for this variant to ClinVar. Based on the evidence outlined above, the variant was classified as uncertain significance.

NM_000548.5(TSC2):c.4378G>C (p.Gly1460Arg)

Gene: TSC2 (TSC complex subunit 2; plus strand). Cytogenetic location: 16p13.3.
Variant type: single nucleotide variant.
Coding change: c.4378G>C on transcript NM_000548.5 (MANE Select); coding-DNA position 4378, G replaced by C.
Protein change: p.Gly1460Arg; replaces glycine 1460 with arginine.
Molecular consequence: missense variant. On other transcripts: non-coding transcript variant (5).
Genome position (GRCh38, 1-based): chr16:2,084,600, G>C. VCF-style: chr16-2084600-G-C. GRCh37 (hg19) VCF-style: chr16-2134601-G-C.
Other names: c.4177G>C, p.Gly1393Arg (NM_001077183.3); c.4309G>C, p.Gly1437Arg (NM_001114382.3); c.4069G>C, p.Gly1357Arg (NM_001318827.2); c.4033G>C, p.Gly1345Arg (NM_001318829.2); c.3646G>C, p.Gly1216Arg (NM_001318831.2); c.4210G>C, p.Gly1404Arg (NM_001318832.2); c.4180G>C, p.Gly1394Arg (NM_001363528.2); c.4246G>C, p.Gly1416Arg (NM_001370404.1); and 26 more; short protein forms G1216R, G1237R, G1356R, G1357R, G1387R, G1400R, G1417R, G1434R.
Identifiers: ClinVar variation 4525985 (VCV004525985.2).